The following is an entry in ClinVar:

NM_016401.4(HIKESHI):c.505G>T (p.Glu169Ter)

Gene: HIKESHI (heat shock protein nuclear import factor hikeshi; plus strand). Cytogenetic location: 11q14.2.
Variant type: single nucleotide variant.
Coding change: c.505G>T on transcript NM_016401.4 (MANE Select); coding-DNA position 505, G replaced by T.
Protein change: p.Glu169Ter; replaces glutamic acid 169 with a stop codon.
Molecular consequence: nonsense. On other transcripts: non-coding transcript variant (3).
Genome position (GRCh38, 1-based): chr11:86,344,687, G>T. VCF-style: chr11-86344687-G-T. GRCh37 (hg19) VCF-style: chr11-86055729-G-T.
Other names: c.445G>T, p.Glu149Ter (NM_001322404.2); c.388G>T, p.Glu130Ter (NM_001322407.2, NM_001322409.2); short protein forms E169*, E130*, E149*.
Identifiers: ClinVar variation 4270825 (VCV004270825.1).

ClinVar aggregate classification (germline): Likely pathogenic (1 of 4 stars; one submission).

Conditions:
Inborn genetic diseases. Identifiers: MedGen C0950123, MeSH D030342.

Submission:

Ambry Genetics
Classification: Likely pathogenic for Inborn genetic diseases. Last evaluated: 2025-08-08. Review status: criteria provided, single submitter. Criteria: Ambry Variant Classification Scheme 2023. Collection method: clinical testing. Allele origin: germline.
Comment: The c.505G>T (p.E169*) alteration, located in exon 4 (coding exon 4) of the HIKESHI gene, consists of a G to T substitution at nucleotide position 505. This changes the amino acid from a glutamic acid (E) to a stop codon at amino acid position 169. This variant is not expected to trigger nonsense-mediated mRNA decay, and impacts the last 15% of the protein. However, premature stop codons are typically deleterious in nature, the impacted region is critical for protein function and a significant portion of the protein is affected (Ambry internal data). This variant was not reported in population-based cohorts in the Genome Aggregation Database (gnomAD). Based on internal structural analysis, this variant is anticipated to disrupt a region of known function (Song, 2015; Imamoto, 2024; Ambry internal data). Based on the available evidence, this alteration is classified as likely pathogenic.

Literature cited by the submitters: PubMed 25760597; PubMed 39317134.